The following is an entry in ClinVar:

ClinVar aggregate classification (germline): Uncertain significance. Review status: criteria provided, multiple submitters, no conflicts (2 of 4 stars). 3 submissions from 3 submitters: Uncertain significance (2). 1 of the submissions does not count toward it. Last evaluated 2026-06-05.

Conditions:
Cohen syndrome (COH1). Also called: PEPPER SYNDROME; Cutis verticis gyrata, retinitis pigmentosa, and sensorineural deafness. Identifiers: Orphanet 193, MedGen C0265223, MONDO:0008999, OMIM 216550.
VPS13B-related disorder. Also called: VPS13B-related condition.
Inborn genetic diseases. Identifiers: MedGen C0950123, MeSH D030342.

Allele frequency attached by ClinVar (database versions not stated): gnomAD exomes below 0.00001; gnomAD 0.00003; TOPMed 0.00003.
gnomAD v4.1: 6 of 1,613,218 alleles (0.00037%); highest among the groups gnomAD compares: African/African-American, 0.008%; no homozygotes.

Submissions (3):

PreventionGenetics, part of Exact Sciences
Classification: Uncertain significance for VPS13B-related condition. Last evaluated: 2026-06-05. Review status: criteria provided, single submitter. Criteria: ACMG Guidelines, 2015. Collection method: clinical testing. Allele origin: germline.
Comment: The VPS13B c.5072C>G variant is predicted to result in the amino acid substitution p.Thr1691Ser. To our knowledge, this variant has not been reported in the literature. This variant is reported in 0.0062% of alleles in individuals of African descent in gnomAD. At this time, the clinical significance of this variant is uncertain due to the absence of conclusive functional and genetic evidence.

Ambry Genetics
Classification: Uncertain significance for Inborn genetic diseases. Last evaluated: 2025-08-01. Review status: criteria provided, single submitter. Criteria: Ambry Variant Classification Scheme 2023. Collection method: clinical testing. Allele origin: germline.

Natera, Inc.
Classification: Uncertain significance for Cohen syndrome. Last evaluated: 2020-08-14. Review status: no assertion criteria provided. Collection method: clinical testing. Allele origin: germline. Not counted in ClinVar's aggregate classification.

NM_152564.5(VPS13B):c.5072C>G (p.Thr1691Ser)

Gene: VPS13B (vacuolar protein sorting 13 homolog B; plus strand). Cytogenetic location: 8q22.2.
Variant type: single nucleotide variant.
Coding change: c.5072C>G on transcript NM_152564.5 (MANE Select); coding-DNA position 5072, C replaced by G.
Protein change: p.Thr1691Ser; replaces threonine 1691 with serine.
Molecular consequence: missense variant.
Genome position (GRCh38, 1-based): chr8:99,575,780, C>G. VCF-style: chr8-99575780-C-G. GRCh37 (hg19) VCF-style: chr8-100588008-C-G.
Other names: c.5147C>G, p.Thr1716Ser (NM_017890.5); c.5147C>G (NM_017890.3); c.5072C>G (NM_152564.4); short protein forms T1691S, T1716S.
Identifiers: ClinVar variation 991214 (VCV000991214.4), dbSNP rs966152558, ClinGen allele CA182998668.
Genomic context (GRCh38, chr8:99,575,780, plus strand): 5'-GAATAACTGGAGCACCTGCTGTCATTTTCACCAAAGTAGTTTCTCCAGAAAATTTGCATA[C>G]TGAGGTTAGAACATAATTTTGATTTTATTTTAGTCTAAATAATGGAATTGCTCCTCTTTG-3'
Protein context (NP_689777.3, residues 1681-1701): TKVVSPENLH[Thr1691Ser]EEILVCGHSL